The following is an entry in ClinVar:

ClinVar aggregate classification (germline): Uncertain significance (1 of 4 stars; one submission).

Conditions:
CHARGE syndrome (CHARGE). Also called: Coloboma, heart anomaly, choanal atresia, retardation, genital and ear anomalies; CHARGE association; Hall-Hittner syndrome; Hittner Hirsch Kreh syndrome; CHARGE ASSOCIATION--COLOBOMA, HEART ANOMALY, CHOANAL ATRESIA, RETARDATION, GENITAL AND EAR ANOMALIES. Identifiers: Orphanet 138, MedGen C0265354, MONDO:0008965.

Allele frequency attached by ClinVar (database versions not stated): gnomAD exomes below 0.00001; TOPMed below 0.00001.
gnomAD v4.1: 1 of 1,613,418 alleles (0.000062%); highest among the groups gnomAD compares: South Asian, 0.0011%; no homozygotes.

Submission:

Labcorp Genetics (formerly Invitae), Labcorp
Classification: Uncertain significance for CHARGE syndrome. Last evaluated: 2021-04-02. Review status: criteria provided, single submitter. Criteria: Invitae Variant Classification Sherloc (09022015). Collection method: clinical testing. Allele origin: germline.
Comment: Advanced modeling of protein sequence and biophysical properties (such as structural, functional, and spatial information, amino acid conservation, physicochemical variation, residue mobility, and thermodynamic stability) performed at Invitae indicates that this missense variant is not expected to disrupt CHD7 protein function. In summary, the available evidence is currently insufficient to determine the role of this variant in disease. Therefore, it has been classified as a Variant of Uncertain Significance. This variant has not been reported in the literature in individuals with CHD7-related conditions. This variant is not present in population databases (ExAC no frequency). This sequence change replaces alanine with threonine at codon 1957 of the CHD7 protein (p.Ala1957Thr). The alanine residue is highly conserved and there is a small physicochemical difference between alanine and threonine.

NM_017780.4(CHD7):c.5869G>A (p.Ala1957Thr)

Gene: CHD7 (chromodomain helicase DNA binding protein 7; plus strand). Cytogenetic location: 8q12.2.
Variant type: single nucleotide variant.
Coding change: c.5869G>A on transcript NM_017780.4 (MANE Select); coding-DNA position 5869, G replaced by A.
Protein change: p.Ala1957Thr; replaces alanine 1957 with threonine.
Molecular consequence: missense variant. On other transcripts: intron variant (1).
Genome position (GRCh38, 1-based): chr8:60,852,222, G>A. VCF-style: chr8-60852222-G-A. GRCh37 (hg19) VCF-style: chr8-61764781-G-A.
Other names: c.1717-10007G>A (NM_001316690.1); short protein forms A1957T.
Identifiers: ClinVar variation 1429115 (VCV001429115.8), dbSNP rs1586443930, ClinGen allele CA371323349.